The following is an entry in ClinVar:

ClinVar aggregate classification (germline): Benign. Review status: criteria provided, multiple submitters, no conflicts (2 of 4 stars). 2 submissions from 2 submitters: Benign (2). Last evaluated 2018-01-13.

Conditions:
Laron-type isolated somatotropin defect. Also called: GROWTH HORMONE RECEPTOR DEFICIENCY; Laron Syndrome; Growth hormone binding protein deficiency or dysfunction; Growth hormone receptor deficiency or dysfunction; Laron dwarfism; Laron type pituitary dwarfism I. Identifiers: Orphanet 633, MedGen C0271568, MONDO:0009877, OMIM 262500.

Allele frequency attached by ClinVar (database versions not stated): 1000 Genomes Project 0.02057; 1000 Genomes Project 30x 0.02092; gnomAD 0.03857 and 0.03922; TOPMed 0.03990.

Submissions (2):

Illumina Laboratory Services, Illumina
Classification: Benign for Laron-type isolated somatotropin defect. Last evaluated: 2018-01-13. Review status: criteria provided, single submitter. Criteria: ICSL Variant Classification Criteria 13 December 2019. Collection method: clinical testing. Allele origin: germline.
Comment: This variant was observed in the ICSL laboratory as part of a predisposition screen in an ostensibly healthy population. It had not been previously curated by ICSL or reported in the Human Gene Mutation Database (HGMD: prior to June 1st, 2018), and was therefore a candidate for classification through an automated scoring system. Utilizing variant allele frequency, disease prevalence and penetrance estimates, and inheritance mode, an automated score was calculated to assess if this variant is too frequent to cause the disease. Based on the score and internal cut-off values, a variant classified as benign is not then subjected to further curation. The score for this variant resulted in a classification of benign for this disease.

Breakthrough Genomics
Classification: Benign. Review status: criteria provided, single submitter. Criteria: ACMG Guidelines, 2015. Collection method: not provided. Allele origin: germline. Inheritance: Autosomal recessive inheritance. Affected: yes.

NM_000163.5(GHR):c.*1770G>C

Gene: GHR (growth hormone receptor; plus strand). Cytogenetic location: 5p12.
Variant type: single nucleotide variant.
Coding change: c.*1770G>C on transcript NM_000163.5 (MANE Select); 1770 bases downstream of the stop codon, G replaced by C.
Molecular consequence: 3 prime UTR variant.
Genome position (GRCh38, 1-based): chr5:42,721,194, G>C. VCF-style: chr5-42721194-G-C. GRCh37 (hg19) VCF-style: chr5-42721296-G-C.
Other names: c.*1770G>C (NM_001242399.2, NM_001242400.2, NM_001242401.4 and 6 more transcripts); c.*2729G>C (NM_001242462.1).
Identifiers: ClinVar variation 353710 (VCV000353710.6), dbSNP rs144561552, ClinGen allele CA10620489.